The following is an entry in ClinVar:

ClinVar aggregate classification (germline): Uncertain significance (1 of 4 stars; one submission).

Conditions:
Inborn genetic diseases. Identifiers: MedGen C0950123, MeSH D030342.

Submission:

Ambry Genetics
Classification: Uncertain significance for Inborn genetic diseases. Last evaluated: 2022-09-22. Review status: criteria provided, single submitter. Criteria: Ambry Variant Classification Scheme 2023. Collection method: clinical testing. Allele origin: germline.
Comment: The c.6595_6596delGT variant, located in coding exon 32 of the DYNC1H1 gene, results from a deletion of two nucleotides at nucleotide positions 6595 to 6596, causing a translational frameshift with a predicted alternate stop codon (p.V2199Wfs*6). This alteration is expected to result in protein truncation or nonsense-mediated mRNA decay. However, loss of function of DYNC1H1 has not been established as a mechanism of disease. Since supporting evidence is limited at this time, the clinical significance of this alteration remains unclear.

NM_001376.5(DYNC1H1):c.6595_6596del (p.Val2199fs)

Gene: DYNC1H1 (dynein cytoplasmic 1 heavy chain 1; plus strand). Cytogenetic location: 14q32.31.
Variant type: Deletion.
Coding change: c.6595_6596del on transcript NM_001376.5 (MANE Select); coding-DNA positions 6595 to 6596, 2 bases deleted (GT; older notation c.6595_6596delGT).
Protein change: p.Val2199fs; shifts the reading frame from valine 2199.
Molecular consequence: frameshift variant.
Genome position (GRCh38, 1-based): chr14:102,010,929-102,010,930, GT deleted. VCF-style (leftmost placement, unchanged base first): chr14-102010928-AGT-A. GRCh37 (hg19) VCF-style: chr14-102477265-AGT-A.
Other names: short protein forms V2199fs.
Identifiers: ClinVar variation 1754380 (VCV001754380.2), dbSNP rs2503753924, ClinGen allele CA2580088524.
Genomic context (GRCh38, chr14:102,010,928, plus strand): 5'-TCGAGAGGAGCTGAAGAAAGTGTGTCAGGAGATGTATTTGACATATGGAGATGGAGAAGA[AGT>A]TGGTGGAATGTGGGTTGAAAAGGTAACTTGGATTGTTTCACTGGCCACTGCCCTCACAGA-3'